The following is an entry in ClinVar:

NM_001080488.2(ONECUT3):c.690G>A (p.Pro230=)

Gene: ONECUT3 (one cut homeobox 3; plus strand). Cytogenetic location: 19p13.3.
Variant type: single nucleotide variant.
Coding change: c.690G>A on transcript NM_001080488.2 (MANE Select); coding-DNA position 690, G replaced by A.
Protein change: p.Pro230=; no amino-acid change (proline 230 retained).
Molecular consequence: synonymous variant.
Genome position (GRCh38, 1-based): chr19:1,754,352, G>A. VCF-style: chr19-1754352-G-A. GRCh37 (hg19) VCF-style: chr19-1754351-G-A.
Identifiers: ClinVar variation 4873851 (VCV004873851.2).

ClinVar aggregate classification (germline): Likely benign (1 of 4 stars; one submission).

Submission:

CeGaT Center for Human Genetics Tuebingen
Classification: Likely benign. Last evaluated: 2026-05-01. Review status: criteria provided, single submitter. Criteria: CeGaT Center For Human Genetics Tuebingen Variant Classification Criteria Version 2. Collection method: clinical testing. Allele origin: germline. Affected: yes. Observed: 1 variant allele.
Comment: ONECUT3: BP4, BP7